The following is an entry in ClinVar:

NM_000551.4(VHL):c.321C>T (p.Arg107=)

Gene: VHL (von Hippel-Lindau tumor suppressor; plus strand). Cytogenetic location: 3p25.3.
Variant type: single nucleotide variant.
Coding change: c.321C>T on transcript NM_000551.4 (MANE Select); coding-DNA position 321, C replaced by T.
Protein change: p.Arg107=; no amino-acid change (arginine 107 retained).
Molecular consequence: synonymous variant.
Genome position (GRCh38, 1-based): chr3:10,142,168, C>T. VCF-style: chr3-10142168-C-T. GRCh37 (hg19) VCF-style: chr3-10183852-C-T.
Other names: c.321C>T, p.Arg107= (NM_001354723.2, NM_198156.3).
Identifiers: ClinVar variation 219995 (VCV000219995.2), dbSNP rs864622334, ClinGen allele CA348868.

ClinVar aggregate classification (germline): Conflicting classifications of pathogenicity. Review status: criteria provided, conflicting classifications (1 of 4 stars). 2 submissions from 2 submitters: Uncertain significance (1); Likely benign (1). Last evaluated 2024-07-09.

Conditions:
Hereditary cancer-predisposing syndrome. Also called: Tumor predisposition; Hereditary neoplastic syndrome; Neoplastic Syndromes, Hereditary; Hereditary Cancer Syndrome. Identifiers: Orphanet 140162, MedGen C0027672, MeSH D009386, MONDO:0015356.
Von Hippel-Lindau syndrome (VHLS). Also called: Von Hippel-Lindau; von Hippel–Lindau syndrome; VHL syndrome. Identifiers: Orphanet 892, MedGen C0019562, MONDO:0008667, OMIM 193300. Disease mechanism: loss of function.

Submissions (2):

Ambry Genetics
Classification: Likely benign for Hereditary cancer-predisposing syndrome. Last evaluated: 2024-07-09. Review status: criteria provided, single submitter. Criteria: Ambry Variant Classification Scheme 2023. Collection method: clinical testing. Allele origin: germline.

Labcorp Genetics (formerly Invitae), Labcorp
Classification: Uncertain significance for Von Hippel-Lindau syndrome. Last evaluated: 2015-08-26. Review status: criteria provided, single submitter. Criteria: Invitae Variant Classification Sherloc (09022015). Collection method: clinical testing. Allele origin: germline.
Comment: This sequence change affects codon 107 of the VHL mRNA. It is a 'silent' change, meaning that it does not change the encoded amino acid sequence of the VHL protein. This variant is not present in population databases and has not been reported in the literature. Algorithms developed to predict the effect of silent changes on mRNA splicing suggest that this variant may alter mRNA splicing, but this prediction has not been confirmed by published transcriptional studies. In summary, this is a novel silent change with uncertain impact on splicing. It has been classified as a Variant of Uncertain Significance.